The following is an entry in ClinVar:

NM_014363.6(SACS):c.7398dup (p.Cys2467fs)

Gene: SACS (sacsin molecular chaperone; minus strand). Cytogenetic location: 13q12.12.
Variant type: Duplication.
Coding change: c.7398dup on transcript NM_014363.6 (MANE Select); coding-DNA position 7398, one base duplicated (A; older notation c.7398dupA).
Protein change: p.Cys2467fs; shifts the reading frame from cysteine 2467.
Molecular consequence: frameshift variant.
Genome position (GRCh38, 1-based): chr13:23,336,478, T duplicated on the plus strand (A on the coding strand, the reverse complement: SACS is on the minus strand). VCF-style (leftmost placement, unchanged base first): chr13-23336477-A-AT. GRCh37 (hg19) VCF-style: chr13-23910616-A-AT.
Other names: c.6957dup, p.Cys2320fs (NM_001278055.2); short protein forms C2467fs, C2320fs.
Identifiers: ClinVar variation 2829028 (VCV002829028.3), dbSNP rs2542234392, ClinGen allele CA2739277467.

ClinVar aggregate classification (germline): Pathogenic (1 of 4 stars; one submission).

Conditions:
Spastic paraplegia. Identifiers: MedGen C0037772, HP:0001258.

Submission:

Labcorp Genetics (formerly Invitae), Labcorp
Classification: Pathogenic for Spastic paraplegia. Last evaluated: 2023-01-22. Review status: criteria provided, single submitter. Criteria: Invitae Variant Classification Sherloc (09022015). Collection method: clinical testing. Allele origin: germline.
Comment: This variant is not present in population databases (gnomAD no frequency). For these reasons, this variant has been classified as Pathogenic. This variant disrupts a region of the SACS protein in which other variant(s) (p.Asn4549Asp) have been determined to be pathogenic (PMID: 15156359, 21507954). This suggests that this is a clinically significant region of the protein, and that variants that disrupt it are likely to be disease-causing. This variant has not been reported in the literature in individuals affected with SACS-related conditions. This sequence change creates a premature translational stop signal (p.Cys2467Metfs*4) in the SACS gene. While this is not anticipated to result in nonsense mediated decay, it is expected to disrupt the last 2113 amino acid(s) of the SACS protein.

Literature cited by the submitters: PubMed 15156359; PubMed 21507954.